The following is an entry in ClinVar:

ClinVar aggregate classification (germline): Uncertain significance (1 of 4 stars; one submission).

Allele frequency attached by ClinVar (database versions not stated): gnomAD exomes below 0.00001.
gnomAD v4.1: 1 of 1,613,572 alleles (0.000062%); highest among the groups gnomAD compares: African/African-American, 0.0013%; no homozygotes.

Submission:

GeneDx
Classification: Uncertain significance. Last evaluated: 2022-04-28. Review status: criteria provided, single submitter. Criteria: GeneDx Variant Classification Process June 2021. Collection method: clinical testing. Allele origin: germline. Affected: yes.
Comment: Not observed at significant frequency in large population cohorts (gnomAD); In silico analysis supports that this missense variant does not alter protein structure/function; Has not been previously published as pathogenic or benign to our knowledge

NM_001378452.1(ITPR1):c.7523A>G (p.Glu2508Gly)

Gene: ITPR1 (inositol 1,4,5-trisphosphate receptor type 1; plus strand). Cytogenetic location: 3p26.1.
Variant type: single nucleotide variant.
Coding change: c.7523A>G on transcript NM_001378452.1 (MANE Select); coding-DNA position 7523, A replaced by G.
Protein change: p.Glu2508Gly; replaces glutamic acid 2508 with glycine.
Molecular consequence: missense variant.
Genome position (GRCh38, 1-based): chr3:4,813,196, A>G. VCF-style: chr3-4813196-A-G. GRCh37 (hg19) VCF-style: chr3-4854880-A-G.
Other names: c.7379A>G, p.Glu2460Gly (NM_001099952.4); c.7478A>G, p.Glu2493Gly (NM_001168272.2); c.7334A>G, p.Glu2445Gly (NM_002222.7); short protein forms E2445G, E2460G, E2493G, E2508G.
Identifiers: ClinVar variation 1712834 (VCV001712834.2), dbSNP rs2470171702, ClinGen allele CA351648786.